The following is an entry in ClinVar:

NM_002506.3(NGF):c.670C>T (p.Arg224Trp)

Genes: NGF (nerve growth factor; minus strand), NGF-AS1 (NGF antisense RNA 1; plus strand). Cytogenetic location: 1p13.2.
Variant type: single nucleotide variant.
Coding change: c.670C>T on transcript NM_002506.3 (MANE Select); coding-DNA position 670, C replaced by T.
Protein change: p.Arg224Trp; replaces arginine 224 with tryptophan.
Molecular consequence: missense variant.
Genome position (GRCh38, 1-based): chr1:115,286,126, G>A on the plus strand (C>T on the coding strand, the complement: NGF is on the minus strand). VCF-style: chr1-115286126-G-A. GRCh37 (hg19) VCF-style: chr1-115828747-G-A.
Other names: short protein forms R224W.
Identifiers: ClinVar variation 526749 (VCV000526749.10), dbSNP rs1553234715, ClinGen allele CA341836034.

ClinVar aggregate classification (germline): Uncertain significance (1 of 4 stars; one submission).

Conditions:
Congenital sensory neuropathy with selective loss of small myelinated fibers (HSAN5). Also called: HSAN Type V. Identifiers: Orphanet 64752, MedGen C0020075, MONDO:0012092, OMIM 608654.

Allele frequency attached by ClinVar (database versions not stated): gnomAD exomes below 0.00001.

Submission:

Labcorp Genetics (formerly Invitae), Labcorp
Classification: Uncertain significance for Congenital sensory neuropathy with selective loss of small myelinated fibers. Last evaluated: 2019-05-10. Review status: criteria provided, single submitter. Criteria: Invitae Variant Classification Sherloc (09022015). Collection method: clinical testing. Allele origin: germline.
Comment: This sequence change replaces arginine with tryptophan at codon 224 of the NGF protein (p.Arg224Trp). The arginine residue is highly conserved and there is a moderate physicochemical difference between arginine and tryptophan. This variant is not present in population databases (ExAC no frequency). This variant has not been reported in the literature in individuals with NGF-related disease. Algorithms developed to predict the effect of missense changes on protein structure and function (SIFT, PolyPhen-2, Align-GVGD) all suggest that this variant is likely to be disruptive, but these predictions have not been confirmed by published functional studies and their clinical significance is uncertain. In summary, the available evidence is currently insufficient to determine the role of this variant in disease. Therefore, it has been classified as a Variant of Uncertain Significance.